The following is an entry in ClinVar:

ClinVar aggregate classification (germline): Benign (1 of 4 stars; one submission).

Allele frequency attached by ClinVar (database versions not stated): 1000 Genomes Project 0.00060; 1000 Genomes Project 30x 0.00062; gnomAD 0.00215 and 0.00219; TOPMed 0.00235; gnomAD exomes 0.00279.
gnomAD v4.1: 1,065 of 402,008 alleles (0.26%); highest among the groups gnomAD compares: Middle Eastern, 1.9%; 8 homozygotes.

Submission:

CeGaT Center for Human Genetics Tuebingen
Classification: Benign. Last evaluated: 2026-09-01. Review status: criteria provided, single submitter. Criteria: CeGaT Center For Human Genetics Tuebingen Variant Classification Criteria Version 2. Collection method: clinical testing. Allele origin: germline. Affected: yes. Observed: 91 variant alleles.
Comment: KCNQ1OT1: BS1, BS2

NM_000218.3(KCNQ1):c.1514+623G>A

Genes: KCNQ1 (potassium voltage-gated channel subfamily Q member 1; plus strand), KCNQ1OT1 (KCNQ1 opposite strand/antisense transcript 1; minus strand). Cytogenetic location: 11p15.5.
Variant type: single nucleotide variant.
Coding change: c.1514+623G>A on transcript NM_000218.3 (MANE Select); 623 bases into the intron after coding-DNA position 1514, G replaced by A.
Molecular consequence: intron variant.
Genome position (GRCh38, 1-based): chr11:2,662,704, G>A. VCF-style: chr11-2662704-G-A. GRCh37 (hg19) VCF-style: chr11-2683934-G-A.
Other names: c.1244+623G>A (NM_001406837.1); c.1418+623G>A (NM_001406836.1); c.974+623G>A (NM_001406838.1); c.1133+623G>A (NM_181798.2).
Identifiers: ClinVar variation 1694611 (VCV001694611.31), dbSNP rs185259699, ClinGen allele CA13514759.